The following is an entry in ClinVar:

NM_001353214.3(DYM):c.610C>T (p.Arg204Ter)

Gene: DYM (dymeclin; minus strand). Cytogenetic location: 18q21.1.
Variant type: single nucleotide variant.
Coding change: c.610C>T on transcript NM_001353214.3 (MANE Select); coding-DNA position 610, C replaced by T.
Protein change: p.Arg204Ter; replaces arginine 204 with a stop codon.
Molecular consequence: nonsense. On other transcripts: intron variant (6).
Genome position (GRCh38, 1-based): chr18:49,333,738, G>A on the plus strand (C>T on the coding strand, the complement: DYM is on the minus strand). VCF-style: chr18-49333738-G-A. GRCh37 (hg19) VCF-style: chr18-46860108-G-A.
Other names: c.610C>T, p.Arg204Ter (NM_001353210.3, NM_001353213.3, NM_001353215.3 and 10 more transcripts); c.607C>T, p.Arg203Ter (NM_001353211.3, NM_001353212.3, NM_001374429.1 and 1 more transcripts); c.382C>T, p.Arg128Ter (NM_001374440.1); c.194-47125C>T (NM_001374443.1); c.194-47122C>T (NM_001374444.1, NM_001374442.1, NM_001374441.1); c.495-1732C>T (NM_001374436.1, NM_001374432.1); short protein forms R128*, R203*, R204*.
Identifiers: ClinVar variation 2503430 (VCV002503430.6), dbSNP rs752868357, ClinGen allele CA8958327.

ClinVar aggregate classification (germline): Pathogenic. Review status: criteria provided, multiple submitters, no conflicts (2 of 4 stars). 3 submissions from 3 submitters: Pathogenic (2). 1 of the submissions does not count toward it. Last evaluated 2024-03-17.

Conditions:
Dyggve-Melchior-Clausen syndrome (DMC). Also called: Dyggve-Melchior-Clausen disease; DMC syndrome. Identifiers: Orphanet 239, MedGen C0265286, MONDO:0009130, OMIM 223800.

Allele frequency attached by ClinVar (database versions not stated): ExAC 0.00001; gnomAD exomes 0.00001; TOPMed 0.00002.
gnomAD v4.1: 17 of 1,613,688 alleles (0.0011%); highest among the groups gnomAD compares: East Asian, 0.0022%; no homozygotes.

Submissions (3):

Genomic Medicine Center of Excellence, King Faisal Specialist Hospital and Research Centre
Classification: Pathogenic for Dyggve-Melchior-Clausen syndrome. Last evaluated: 2024-03-17. Review status: criteria provided, single submitter. Criteria: ACMG Guidelines, 2015. Collection method: research. Allele origin: germline.

Labcorp Genetics (formerly Invitae), Labcorp
Classification: Pathogenic. Last evaluated: 2023-12-09. Review status: criteria provided, single submitter. Criteria: Invitae Variant Classification Sherloc (09022015). Collection method: clinical testing. Allele origin: germline.
Comment: This sequence change creates a premature translational stop signal (p.Arg204*) in the DYM gene. It is expected to result in an absent or disrupted protein product. Loss-of-function variants in DYM are known to be pathogenic (PMID: 12491225, 12554689, 18996921). This variant is present in population databases (rs752868357, gnomAD 0.003%). This premature translational stop signal has been observed in individual(s) with Dyggve–Melchior–Clausen syndrome (PMID: 12554689, 29620724). ClinVar contains an entry for this variant (Variation ID: 2503430). Algorithms developed to predict the effect of variants on protein structure and function are not available or were not evaluated for this variant. Experimental studies have shown that this premature translational stop signal affects DYM function (PMID: 18996921). For these reasons, this variant has been classified as Pathogenic.

Clinical Laboratory Sciences Program (CLSP), King Saud bin Abdulaziz University for Health Sciences (KSAU-HS)
Classification: Pathogenic for Dyggve-Melchior-Clausen syndrome. Last evaluated: 2023-04-01. Review status: no assertion criteria provided. Collection method: clinical testing. Allele origin: germline. Affected: yes. Not counted in ClinVar's aggregate classification.

Literature cited by the submitters: PubMed 12491225 (cited by Labcorp Genetics (formerly Invitae), Labcorp); PubMed 12554689 (cited by Labcorp Genetics (formerly Invitae), Labcorp); PubMed 18996921 (cited by Labcorp Genetics (formerly Invitae), Labcorp); PubMed 29620724 (cited by Labcorp Genetics (formerly Invitae), Labcorp).